The following is an entry in ClinVar:

ClinVar aggregate classification (germline): Uncertain significance. Review status: criteria provided, multiple submitters, no conflicts (2 of 4 stars). 2 submissions from 2 submitters: Uncertain significance (2). Last evaluated 2021-08-24.

Conditions:
Generalized epilepsy with febrile seizures plus, type 9 (GEFSP9). Also called: GEFS+, TYPE 9. Identifiers: Orphanet 36387, MedGen C4015395, MONDO:0014517, OMIM 616172.

Allele frequency attached by ClinVar (database versions not stated): gnomAD below 0.00001 and 0.00001; ExAC 0.00001; gnomAD exomes 0.00002 and 0.00001.
gnomAD v4.1: 12 of 1,614,060 alleles (0.00074%); highest among the groups gnomAD compares: South Asian, 0.013%; 1 homozygote.

Submissions (2):

Labcorp Genetics (formerly Invitae), Labcorp
Classification: Uncertain significance for Generalized epilepsy with febrile seizures plus, type 9. Last evaluated: 2021-08-24. Review status: criteria provided, single submitter. Criteria: Invitae Variant Classification Sherloc (09022015). Collection method: clinical testing. Allele origin: germline.

Center for Pediatric Genomic Medicine, Children's Mercy Hospital and Clinics
Classification: Uncertain significance. Last evaluated: 2016-09-20. Review status: criteria provided, single submitter. Criteria: ACMG Guidelines, 2015. Collection method: clinical testing. Allele origin: germline.
ClinVar note: Converted during submission from Uncertain Significance to Uncertain significance.

NM_052874.5(STX1B):c.215A>G (p.Gln72Arg)

Gene: STX1B (syntaxin 1B; minus strand). Cytogenetic location: 16p11.2.
Variant type: single nucleotide variant.
Coding change: c.215A>G on transcript NM_052874.5 (MANE Select); coding-DNA position 215, A replaced by G.
Protein change: p.Gln72Arg; replaces glutamine 72 with arginine.
Molecular consequence: missense variant.
Genome position (GRCh38, 1-based): chr16:31,000,993, T>C on the plus strand (A>G on the coding strand, the complement: STX1B is on the minus strand). VCF-style: chr16-31000993-T-C. GRCh37 (hg19) VCF-style: chr16-31012314-T-C.
Other names: short protein forms Q72R.
Identifiers: ClinVar variation 377128 (VCV000377128.8), dbSNP rs748657799, ClinGen allele CA8018441.
Genomic context (GRCh38, chr16:31,000,993, plus strand): 5'-AATTTGGACCGAACCTTGTTGGCCGTCTTCTTGATGTCTGCAGTGAGATCCTCCAGCTCC[T>C]GTTTGGTCTCTGAGGGGAGGGCGAGGGCAAGTGAGATGTCTGGGTGGGAACCCCAGGCCC-3'
Protein context (NP_443106.1, residues 62-82): AAPNPDEKTK[Gln72Arg]ELEDLTADIK